The following is an entry in ClinVar:

NM_001009944.3(PKD1):c.6283G>C (p.Asp2095His)

Gene: PKD1 (polycystin 1, transient receptor potential channel interacting; minus strand). Cytogenetic location: 16p13.3.
Variant type: single nucleotide variant.
Coding change: c.6283G>C on transcript NM_001009944.3 (MANE Select); coding-DNA position 6283, G replaced by C.
Protein change: p.Asp2095His; replaces aspartic acid 2095 with histidine.
Molecular consequence: missense variant.
Genome position (GRCh38, 1-based): chr16:2,108,884, C>G on the plus strand (G>C on the coding strand, the complement: PKD1 is on the minus strand). VCF-style: chr16-2108884-C-G. GRCh37 (hg19) VCF-style: chr16-2158885-C-G.
Other names: c.6283G>C, p.Asp2095His (NM_000296.4); short protein forms D2095H.
Identifiers: ClinVar variation 3365695 (VCV003365695.1).

ClinVar aggregate classification (germline): Uncertain significance (1 of 4 stars; one submission).

Submission:

GeneDx
Classification: Uncertain significance. Last evaluated: 2024-01-05. Review status: criteria provided, single submitter. Criteria: GeneDx Variant Classification Process June 2021. Collection method: clinical testing. Allele origin: germline. Affected: yes.
Comment: Not observed at significant frequency in large population cohorts (gnomAD); In silico analysis supports that this missense variant has a deleterious effect on protein structure/function; Has not been previously published as pathogenic or benign to our knowledge